The following is an entry in ClinVar:

NM_007194.4(CHEK2):c.1009-3T>G

Gene: CHEK2 (checkpoint kinase 2; minus strand). Cytogenetic location: 22q12.1.
Variant type: single nucleotide variant.
Coding change: c.1009-3T>G on transcript NM_007194.4 (MANE Select); 3 bases into the intron before coding-DNA position 1009, T replaced by G.
Molecular consequence: intron variant.
Genome position (GRCh38, 1-based): chr22:28,696,990, A>C on the plus strand (T>G on the coding strand, the complement: CHEK2 is on the minus strand). VCF-style: chr22-28696990-A-C. GRCh37 (hg19) VCF-style: chr22-29092978-A-C.
Other names: c.346-3T>G (NM_001437942.1, NM_001257387.3); c.808-3T>G (NM_001349956.3); c.1009-1117T>G (NM_145862.3); c.1102-1117T>G (NM_001438295.1); c.1102-3T>G (NM_001438293.1); c.1138-1117T>G (NM_001438294.1); c.1138-3T>G (NM_001005735.3).
Identifiers: ClinVar variation 1465471 (VCV001465471.7), dbSNP rs2145818421, ClinGen allele CA2573158008.

ClinVar aggregate classification (germline): Uncertain significance (1 of 4 stars; one submission).

Conditions:
Familial cancer of breast. Also called: Hereditary breast cancer; hereditary breast carcinoma; BREAST CANCER, FAMILIAL. Identifiers: Orphanet 227535, MedGen C0346153, MONDO:0016419, OMIM 114480. Disease mechanism: loss of function.

Submission:

Labcorp Genetics (formerly Invitae), Labcorp
Classification: Uncertain significance for Familial cancer of breast. Last evaluated: 2025-07-17. Review status: criteria provided, single submitter. Criteria: Invitae Variant Classification Sherloc (09022015). Collection method: clinical testing. Allele origin: germline.
Comment: This sequence change falls in intron 9 of the CHEK2 gene. It does not directly change the encoded amino acid sequence of the CHEK2 protein. It affects a nucleotide within the consensus splice site. This variant is not present in population databases (gnomAD no frequency). This variant has not been reported in the literature in individuals affected with CHEK2-related conditions. ClinVar contains an entry for this variant (Variation ID: 1465471). Variants that disrupt the consensus splice site are a relatively common cause of aberrant splicing (PMID: 17576681, 9536098). Algorithms developed to predict the effect of sequence changes on RNA splicing suggest that this variant may disrupt the consensus splice site. In summary, the available evidence is currently insufficient to determine the role of this variant in disease. Therefore, it has been classified as a Variant of Uncertain Significance.

Literature cited by the submitters: PubMed 17576681; PubMed 9536098.